The following is an entry in ClinVar:

ClinVar aggregate classification (germline): Uncertain significance (1 of 4 stars; one submission).

Submission:

Ambry Genetics
Classification: Uncertain significance. Last evaluated: 2025-08-21. Review status: criteria provided, single submitter. Criteria: Ambry Variant Classification Scheme 2023. Collection method: clinical testing. Allele origin: germline.
Comment: The p.D1049Y variant (also known as c.3145G>T), located in coding exon 28 of the KIF1B gene, results from a G to T substitution at nucleotide position 3145. The aspartic acid at codon 1049 is replaced by tyrosine, an amino acid with highly dissimilar properties. This amino acid position is conserved. In addition, this alteration is predicted to be deleterious by in silico analysis. Based on the available evidence, the clinical significance of this variant remains unclear.

NM_001365951.3(KIF1B):c.3283G>T (p.Asp1095Tyr)

Gene: KIF1B (kinesin family member 1B; plus strand). Cytogenetic location: 1p36.22.
Variant type: single nucleotide variant.
Coding change: c.3283G>T on transcript NM_001365951.3 (MANE Select); coding-DNA position 3283, G replaced by T.
Protein change: p.Asp1095Tyr; replaces aspartic acid 1095 with tyrosine.
Molecular consequence: missense variant.
Genome position (GRCh38, 1-based): chr1:10,337,394, G>T. VCF-style: chr1-10337394-G-T. GRCh37 (hg19) VCF-style: chr1-10397452-G-T.
Other names: c.3283G>T, p.Asp1095Tyr (NM_001365952.1); c.3145G>T, p.Asp1049Tyr (NM_015074.3); short protein forms D1095Y, D1049Y.
Identifiers: ClinVar variation 4092382 (VCV004092382.1).